The following is an entry in ClinVar:

ClinVar aggregate classification (germline): Uncertain significance. Review status: criteria provided, multiple submitters, no conflicts (2 of 4 stars). 5 submissions from 5 submitters: Uncertain significance (5). Last evaluated 2025-03-23.

Conditions:
Hereditary cancer-predisposing syndrome. Also called: Tumor predisposition; Neoplastic Syndromes, Hereditary; Hereditary neoplastic syndrome; Hereditary Cancer Syndrome. Identifiers: Orphanet 140162, MedGen C0027672, MeSH D009386, MONDO:0015356.
Familial cancer of breast. Also called: hereditary breast carcinoma; BREAST CANCER, FAMILIAL; Hereditary breast cancer. Identifiers: Orphanet 227535, MedGen C0346153, MONDO:0016419, OMIM 114480. Disease mechanism: loss of function.

Allele frequency attached by ClinVar (database versions not stated): gnomAD exomes below 0.00001; TOPMed below 0.00001; ExAC 0.00001.
gnomAD v4.1: 1 of 1,613,918 alleles (0.000062%); highest among the groups gnomAD compares: Non-Finnish European, 0.000085%; no homozygotes.

Submissions (5):

Labcorp Genetics (formerly Invitae), Labcorp
Classification: Uncertain significance for Familial cancer of breast. Last evaluated: 2025-03-23. Review status: criteria provided, single submitter. Criteria: Invitae Variant Classification Sherloc (09022015). Collection method: clinical testing. Allele origin: germline.
Comment: This sequence change replaces threonine, which is neutral and polar, with isoleucine, which is neutral and non-polar, at codon 242 of the CHEK2 protein (p.Thr242Ile). This variant is present in population databases (rs765136136, gnomAD 0.0009%). This missense change has been observed in individual(s) with borderline ovarian cancer (PMID: 27616075). ClinVar contains an entry for this variant (Variation ID: 631441). An algorithm developed to predict the effect of missense changes on protein structure and function (PolyPhen-2) suggests that this variant is likely to be disruptive. In summary, the available evidence is currently insufficient to determine the role of this variant in disease. Therefore, it has been classified as a Variant of Uncertain Significance.

Ambry Genetics
Classification: Uncertain significance for Hereditary cancer-predisposing syndrome. Last evaluated: 2023-05-25. Review status: criteria provided, single submitter. Criteria: Ambry Variant Classification Scheme 2023. Collection method: clinical testing. Allele origin: germline.
Comment: The p.T242I variant (also known as c.725C>T), located in coding exon 5 of the CHEK2 gene, results from a C to T substitution at nucleotide position 725. The threonine at codon 242 is replaced by isoleucine, an amino acid with similar properties. This alteration was identified in a cohort of 581 consecutive individuals with breast and/or ovarian cancer from Germany (Kraus C et al. Int J Cancer, 2017 Jan;140:95-102). This amino acid position is highly conserved in available vertebrate species. In addition, this alteration is predicted to be deleterious by in silico analysis. Since supporting evidence is limited at this time, the clinical significance of this alteration remains unclear.

GeneDx
Classification: Uncertain significance. Last evaluated: 2022-10-27. Review status: criteria provided, single submitter. Criteria: GeneDx Variant Classification Process June 2021. Collection method: clinical testing. Allele origin: germline. Affected: yes.
Comment: Not observed at significant frequency in large population cohorts (gnomAD); In silico analysis supports that this missense variant has a deleterious effect on protein structure/function; Observed in an individual with ovarian cancer (Kraus et al., 2017); This variant is associated with the following publications: (PMID: 22419737, 19782031, 27616075)

Sema4
Classification: Uncertain significance for Hereditary cancer-predisposing syndrome. Last evaluated: 2022-01-19. Review status: criteria provided, single submitter. Criteria: Sema4 Curation Guidelines. Collection method: curation. Allele origin: germline.
Comment: The CHEK2 c.725C>T (p.T242I) variant has been reported in individuals with ovarian and breast cancer as well as in controls (PMID: 27616075, 33471991). It was not observed in the large and broad cohorts of the Genome Aggregation Database (PMID: 32461654). The variant has been reported in ClinVar (Variation ID 631441). Functional studies have not been performed, and in silico predictions of the variant's effect on protein function are inconclusive. The evidence is insufficient to meet ACMG/AMP criteria for classifying the variant as benign or pathogenic. Thus, the clinical significance of this variant is currently uncertain.

Color Diagnostics, LLC DBA Color Health
Classification: Uncertain significance for Hereditary cancer-predisposing syndrome. Last evaluated: 2018-12-13. Review status: criteria provided, single submitter. Criteria: ACMG Guidelines, 2015. Collection method: clinical testing. Allele origin: germline.

Literature cited by the submitters: PubMed 27616075 (cited by 3 submitters); PubMed 33471991 (cited by Sema4).

NM_007194.4(CHEK2):c.725C>T (p.Thr242Ile)

Gene: CHEK2 (checkpoint kinase 2; minus strand). Cytogenetic location: 22q12.1.
Variant type: single nucleotide variant.
Coding change: c.725C>T on transcript NM_007194.4 (MANE Select); coding-DNA position 725, C replaced by T.
Protein change: p.Thr242Ile; replaces threonine 242 with isoleucine.
Molecular consequence: missense variant.
Genome position (GRCh38, 1-based): chr22:28,711,976, G>A on the plus strand (C>T on the coding strand, the complement: CHEK2 is on the minus strand). VCF-style: chr22-28711976-G-A. GRCh37 (hg19) VCF-style: chr22-29107964-G-A.
Other names: c.854C>T, p.Thr285Ile (NM_001005735.3); c.62C>T, p.Thr21Ile (NM_001257387.3); c.524C>T, p.Thr175Ile (NM_001349956.3); c.725C>T, p.Thr242Ile (NM_145862.3); short protein forms T242I, T175I, T21I, T285I.
Identifiers: ClinVar variation 631441 (VCV000631441.15), dbSNP rs765136136, ClinGen allele CA10167891.